The following is an entry in ClinVar:

NM_032730.5(RTN4IP1):c.1112C>A (p.Pro371His)

Gene: RTN4IP1 (reticulon 4 interacting protein 1; minus strand). Cytogenetic location: 6q21.
Variant type: single nucleotide variant.
Coding change: c.1112C>A on transcript NM_032730.5 (MANE Select); coding-DNA position 1112, C replaced by A.
Protein change: p.Pro371His; replaces proline 371 with histidine.
Molecular consequence: missense variant.
Genome position (GRCh38, 1-based): chr6:106,572,075, G>T on the plus strand (C>A on the coding strand, the complement: RTN4IP1 is on the minus strand). VCF-style: chr6-106572075-G-T. GRCh37 (hg19) VCF-style: chr6-107019950-G-T.
Other names: c.812C>A, p.Pro271His (NM_001318746.1); short protein forms P271H, P371H.
Identifiers: ClinVar variation 2154391 (VCV002154391.2), dbSNP rs1775079361, ClinGen allele CA365170606.

ClinVar aggregate classification (germline): Uncertain significance (1 of 4 stars; one submission).

Submission:

Labcorp Genetics (formerly Invitae), Labcorp
Classification: Uncertain significance. Last evaluated: 2022-07-23. Review status: criteria provided, single submitter. Criteria: Invitae Variant Classification Sherloc (09022015). Collection method: clinical testing. Allele origin: germline.
Comment: In summary, the available evidence is currently insufficient to determine the role of this variant in disease. Therefore, it has been classified as a Variant of Uncertain Significance. Algorithms developed to predict the effect of missense changes on protein structure and function are either unavailable or do not agree on the potential impact of this missense change (SIFT: "Deleterious"; PolyPhen-2: "Possibly Damaging"; Align-GVGD: "Class C0"). This variant has not been reported in the literature in individuals affected with RTN4IP1-related conditions. This variant is not present in population databases (gnomAD no frequency). This sequence change replaces proline, which is neutral and non-polar, with histidine, which is basic and polar, at codon 371 of the RTN4IP1 protein (p.Pro371His).